The following is an entry in ClinVar:

NM_012448.4(STAT5B):c.1156G>A (p.Glu386Lys)

Gene: STAT5B (signal transducer and activator of transcription 5B; minus strand). Cytogenetic location: 17q21.2.
Variant type: single nucleotide variant.
Coding change: c.1156G>A on transcript NM_012448.4 (MANE Select); coding-DNA position 1156, G replaced by A.
Protein change: p.Glu386Lys; replaces glutamic acid 386 with lysine.
Molecular consequence: missense variant.
Genome position (GRCh38, 1-based): chr17:42,218,164, C>T on the plus strand (G>A on the coding strand, the complement: STAT5B is on the minus strand). VCF-style: chr17-42218164-C-T. GRCh37 (hg19) VCF-style: chr17-40370182-C-T.
Other names: short protein forms E386K.
Identifiers: ClinVar variation 1897781 (VCV001897781.5), dbSNP rs2508754967, ClinGen allele CA399584227.

ClinVar aggregate classification (germline): Uncertain significance (1 of 4 stars; one submission).

Conditions:
Growth hormone insensitivity with immune dysregulation 1, autosomal recessive. Also called: GROWTH HORMONE INSENSITIVITY SYNDROME WITH IMMUNE DYSREGULATION 1, AUTOSOMAL RECESSIVE; GROWTH HORMONE INSENSITIVITY DUE TO POSTRECEPTOR DEFECT; LARON SYNDROME DUE TO POSTRECEPTOR DEFECT; Laron syndrome with immunodeficiency. Identifiers: Orphanet 220465, MedGen C5435698, MONDO:0100211, OMIM 245590.

Allele frequency attached by ClinVar (database versions not stated): gnomAD exomes below 0.00001.
gnomAD v4.1: 2 of 1,614,088 alleles (0.00012%); highest among the groups gnomAD compares: Non-Finnish European, 0.00017%; no homozygotes.

Submission:

Labcorp Genetics (formerly Invitae), Labcorp
Classification: Uncertain significance for Growth hormone insensitivity with immune dysregulation 1, autosomal recessive. Last evaluated: 2022-10-23. Review status: criteria provided, single submitter. Criteria: Invitae Variant Classification Sherloc (09022015). Collection method: clinical testing. Allele origin: germline.
Comment: In summary, the available evidence is currently insufficient to determine the role of this variant in disease. Therefore, it has been classified as a Variant of Uncertain Significance. Advanced modeling of protein sequence and biophysical properties (such as structural, functional, and spatial information, amino acid conservation, physicochemical variation, residue mobility, and thermodynamic stability) performed at Invitae indicates that this missense variant is not expected to disrupt STAT5B protein function. This variant has not been reported in the literature in individuals affected with STAT5B-related conditions. This variant is not present in population databases (gnomAD no frequency). This sequence change replaces glutamic acid, which is acidic and polar, with lysine, which is basic and polar, at codon 386 of the STAT5B protein (p.Glu386Lys).